The following is an entry in ClinVar:

ClinVar aggregate classification (germline): Uncertain significance. Review status: no assertion criteria provided (0 of 4 stars). 2 submissions from 2 submitters: Uncertain significance (2). Last evaluated 2025-03-17.

Conditions:
Bardet-Biedl syndrome 1 (BBS1). Identifiers: MedGen C2936862, MONDO:0008854, OMIM 209900. Disease mechanism: loss of function.
BBS1-related disorder. Also called: BBS1-related condition.

gnomAD v4.1: 3 of 1,607,118 alleles (0.00019%); highest among the groups gnomAD compares: South Asian, 0.0011%; no homozygotes.

Submissions (2):

Natera, Inc.
Classification: Uncertain significance for Bardet-Biedl syndrome type 1. Last evaluated: 2025-03-17. Review status: no assertion criteria provided. Collection method: clinical testing. Allele origin: germline.

PreventionGenetics, part of Exact Sciences
Classification: Uncertain significance for BBS1-related condition. Last evaluated: 2024-08-29. Review status: no assertion criteria provided. Collection method: clinical testing. Allele origin: germline.
Comment: The BBS1 c.1761C>G variant is predicted to result in the amino acid substitution p.Ser587Arg. To our knowledge, this variant has not been reported in the literature. This variant is reported in 0.0034% of alleles in individuals of South Asian descent in gnomAD. At this time, the clinical significance of this variant is uncertain due to the absence of conclusive functional and genetic evidence.

NM_024649.5(BBS1):c.1761C>G (p.Ser587Arg)

Genes: BBS1 (Bardet-Biedl syndrome 1; plus strand), ZDHHC24 (zDHHC palmitoyltransferase 24; minus strand). Cytogenetic location: 11q13.2.
Variant type: single nucleotide variant.
Coding change: c.1761C>G on transcript NM_024649.5 (MANE Select); coding-DNA position 1761, C replaced by G.
Protein change: p.Ser587Arg; replaces serine 587 with arginine.
Molecular consequence: missense variant. On other transcripts: intron variant (1).
Genome position (GRCh38, 1-based): chr11:66,532,016, C>G. VCF-style: chr11-66532016-C-G. GRCh37 (hg19) VCF-style: chr11-66299487-C-G.
Other names: c.560-2528G>C (NM_001348571.2); short protein forms S587R.
Identifiers: ClinVar variation 3347362 (VCV003347362.1).